The following is an entry in ClinVar:

ClinVar aggregate classification (germline): Uncertain significance (1 of 4 stars; one submission).

Conditions:
ALG6-congenital disorder of glycosylation 1C (CDG1C). Also called: CARBOHYDRATE-DEFICIENT GLYCOPROTEIN SYNDROME, TYPE I, WITH DEFICIENT GLYCOSYLATION OF DOLICHOL-LINKED OLIGOSACCHARIDE; CARBOHYDRATE-DEFICIENT GLYCOPROTEIN SYNDROME, TYPE V; Congenital disorder of glycosylation type 1C; Congenital disorder of glycosylation, type Ic; CDG Ic. Identifiers: Orphanet 79320, MedGen C2930997, MONDO:0011291, OMIM 603147.

Allele frequency attached by ClinVar (database versions not stated): gnomAD exomes below 0.00001; TOPMed below 0.00001.
gnomAD v4.1: 1 of 1,605,464 alleles (0.000062%); highest among the groups gnomAD compares: African/African-American, 0.0013%; no homozygotes.

Submission:

Labcorp Genetics (formerly Invitae), Labcorp
Classification: Uncertain significance for ALG6-congenital disorder of glycosylation 1C. Last evaluated: 2023-11-27. Review status: criteria provided, single submitter. Criteria: Invitae Variant Classification Sherloc (09022015). Collection method: clinical testing. Allele origin: germline.
Comment: This sequence change replaces isoleucine, which is neutral and non-polar, with threonine, which is neutral and polar, at codon 144 of the ALG6 protein (p.Ile144Thr). This variant is not present in population databases (gnomAD no frequency). This variant has not been reported in the literature in individuals affected with ALG6-related conditions. ClinVar contains an entry for this variant (Variation ID: 2177271). An algorithm developed to predict the effect of missense changes on protein structure and function (PolyPhen-2) suggests that this variant is likely to be tolerated. In summary, the available evidence is currently insufficient to determine the role of this variant in disease. Therefore, it has been classified as a Variant of Uncertain Significance.

NM_013339.4(ALG6):c.431T>C (p.Ile144Thr)

Gene: ALG6 (ALG6 alpha-1,3-glucosyltransferase; plus strand). Cytogenetic location: 1p31.3.
Variant type: single nucleotide variant.
Coding change: c.431T>C on transcript NM_013339.4 (MANE Select); coding-DNA position 431, T replaced by C.
Protein change: p.Ile144Thr; replaces isoleucine 144 with threonine.
Molecular consequence: missense variant.
Genome position (GRCh38, 1-based): chr1:63,407,063, T>C. VCF-style: chr1-63407063-T-C. GRCh37 (hg19) VCF-style: chr1-63872734-T-C.
Other names: short protein forms I144T.
Identifiers: ClinVar variation 2177271 (VCV002177271.4), dbSNP rs1644492705, ClinGen allele CA340634663.
Genomic context (GRCh38, chr1:63,407,063, plus strand): 5'-TACCCTGCTTGATTTGTGTAACAGATTACTTTCTTATCTCACAATATTTGTCTTTACAGA[T>C]TGCTAATGCATTATGCATCTTGCTGTATCCAGGCCTTATTCTTATAGACTATGGACATTT-3'
Protein context (NP_037471.2, residues 134-154): CLKEISTKKK[Ile144Thr]ANALCILLYP